The following is an entry in ClinVar:

ClinVar aggregate classification (germline): Uncertain significance. Review status: criteria provided, multiple submitters, no conflicts (2 of 4 stars). 2 submissions from 2 submitters: Uncertain significance (2). Last evaluated 2024-10-22.

Conditions:
Familial thoracic aortic aneurysm and aortic dissection (TAAD). Also called: Thoracic aortic aneurysms and dissections. Identifiers: Orphanet 91387, MedGen C4707243, MONDO:0019625.
Heterotopia, periventricular, X-linked dominant (PVNH1). Also called: PERIVENTRICULAR NODULAR HETEROTOPIA 4; HETEROTOPIA, PERIVENTRICULAR, 1; PERIVENTRICULAR NODULAR HETEROTOPIA 1; X-linked periventricular heterotopia. Identifiers: Orphanet 2149, Orphanet 82004, MedGen C1848213, MONDO:0010233, OMIM 300049.
Melnick-Needles syndrome (MNS). Also called: Melnick-Needles Syndrome (FLNA-MNS); MELNICK-NEEDLES OSTEODYSPLASTY; OSTEODYSPLASTY OF MELNICK AND NEEDLES. Identifiers: Orphanet 2484, MedGen C0025237, MONDO:0010650, OMIM 309350.
Frontometaphyseal dysplasia (FMD1). Identifiers: Orphanet 1826, MedGen C0265293, MONDO:0015942.
Oto-palato-digital syndrome, type II (OPD2). Also called: Otopalatodigital Syndrome Type 2 (FLNA-OPD2); FACIOPALATOOSSEOUS SYNDROME; OPD II SYNDROME; Otopalatodigital Syndrome, Type II. Identifiers: Orphanet 669, Orphanet 90652, MedGen C1844696, MONDO:0010571, OMIM 304120.

Allele frequency attached by ClinVar (database versions not stated): TOPMed below 0.00001.

Submissions (2):

Labcorp Genetics (formerly Invitae), Labcorp
Classification: Uncertain significance for Oto-palato-digital syndrome, type II; Heterotopia, periventricular, X-linked dominant; Frontometaphyseal dysplasia; Melnick-Needles syndrome. Last evaluated: 2024-10-22. Review status: criteria provided, single submitter. Criteria: Invitae Variant Classification Sherloc (09022015). Collection method: clinical testing. Allele origin: germline.
Comment: This sequence change replaces methionine, which is neutral and non-polar, with isoleucine, which is neutral and non-polar, at codon 545 of the FLNA protein (p.Met545Ile). This variant is not present in population databases (gnomAD no frequency). This variant has not been reported in the literature in individuals affected with FLNA-related conditions. ClinVar contains an entry for this variant (Variation ID: 1776917). Invitae Evidence Modeling of protein sequence and biophysical properties (such as structural, functional, and spatial information, amino acid conservation, physicochemical variation, residue mobility, and thermodynamic stability) indicates that this missense variant is not expected to disrupt FLNA protein function with a negative predictive value of 95%. In summary, the available evidence is currently insufficient to determine the role of this variant in disease. Therefore, it has been classified as a Variant of Uncertain Significance.

Ambry Genetics
Classification: Uncertain significance for Familial thoracic aortic aneurysm and aortic dissection. Last evaluated: 2021-03-13. Review status: criteria provided, single submitter. Criteria: Ambry Variant Classification Scheme 2023. Collection method: clinical testing. Allele origin: germline.
Comment: The p.M545I variant (also known as c.1635G>A), located in coding exon 10 of the FLNA gene, results from a G to A substitution at nucleotide position 1635. The methionine at codon 545 is replaced by isoleucine, an amino acid with highly similar properties. This amino acid position is not well conserved in available vertebrate species. In addition, this alteration is predicted to be tolerated by in silico analysis. Since supporting evidence is limited at this time, the clinical significance of this alteration remains unclear.

NM_001110556.2(FLNA):c.1635G>A (p.Met545Ile)

Gene: FLNA (filamin A; minus strand). Cytogenetic location: Xq28.
Variant type: single nucleotide variant.
Coding change: c.1635G>A on transcript NM_001110556.2 (MANE Select); coding-DNA position 1635, G replaced by A.
Protein change: p.Met545Ile; replaces methionine 545 with isoleucine.
Molecular consequence: missense variant.
Genome position (GRCh38, 1-based): chrX:154,365,192, C>T on the plus strand (G>A on the coding strand, the complement: FLNA is on the minus strand). VCF-style: chrX-154365192-C-T. GRCh37 (hg19) VCF-style: chrX-153593560-C-T.
Other names: c.1635G>A, p.Met545Ile (NM_001456.4); short protein forms M545I.
Identifiers: ClinVar variation 1776917 (VCV001776917.5), dbSNP rs2067747587, ClinGen allele CA415243137.